The following is an entry in ClinVar:

ClinVar aggregate classification (germline): Benign. Review status: criteria provided, multiple submitters, no conflicts (2 of 4 stars). 2 submissions from 2 submitters: Benign (2). Last evaluated 2018-01-12.

Conditions:
MHC class II deficiency. Also called: Bare lymphocyte syndrome 2; BLS, TYPE II. Identifiers: Orphanet 572, MedGen C5447452, MONDO:0008855.

Allele frequency attached by ClinVar (database versions not stated): 1000 Genomes Project 0.14137; gnomAD 0.17219 and 0.16792; 1000 Genomes Project 30x 0.14241; TOPMed 0.16653; gnomAD exomes 0.14573.
gnomAD v4.1: 25,658 of 152,484 alleles (17%); highest among the groups gnomAD compares: Middle Eastern, 23%; 2,330 homozygotes.

Submissions (2):

Illumina Laboratory Services, Illumina
Classification: Benign for MHC class II deficiency 1. Last evaluated: 2018-01-12. Review status: criteria provided, single submitter. Criteria: ICSL Variant Classification Criteria 13 December 2019. Collection method: clinical testing. Allele origin: germline.
Comment: This variant was observed in the ICSL laboratory as part of a predisposition screen in an ostensibly healthy population. It had not been previously curated by ICSL or reported in the Human Gene Mutation Database (HGMD: prior to June 1st, 2018), and was therefore a candidate for classification through an automated scoring system. Utilizing variant allele frequency, disease prevalence and penetrance estimates, and inheritance mode, an automated score was calculated to assess if this variant is too frequent to cause the disease. Based on the score and internal cut-off values, a variant classified as benign is not then subjected to further curation. The score for this variant resulted in a classification of benign for this disease.

Breakthrough Genomics
Classification: Benign. Review status: criteria provided, single submitter. Criteria: ACMG Guidelines, 2015. Collection method: not provided. Allele origin: germline. Inheritance: Autosomal recessive inheritance. Affected: yes.

NM_000538.4(RFXAP):c.*1253G>A

Gene: RFXAP (regulatory factor X associated protein; plus strand). Cytogenetic location: 13q13.3.
Variant type: single nucleotide variant.
Coding change: c.*1253G>A on transcript NM_000538.4 (MANE Select); 1253 bases downstream of the stop codon, G replaced by A.
Molecular consequence: 3 prime UTR variant.
Genome position (GRCh38, 1-based): chr13:36,829,006, G>A. VCF-style: chr13-36829006-G-A. GRCh37 (hg19) VCF-style: chr13-37403143-G-A.
Identifiers: ClinVar variation 311802 (VCV000311802.6), dbSNP rs10976, ClinGen allele CA10639380.